The following is an entry in ClinVar:

NM_002485.5(NBN):c.658_660del (p.Gln220del)

Gene: NBN (nibrin; minus strand). Cytogenetic location: 8q21.3.
Variant type: Deletion.
Coding change: c.658_660del on transcript NM_002485.5 (MANE Select); coding-DNA positions 658 to 660, 3 bases deleted (CAA; older notation c.658_660delCAA).
Protein change: p.Gln220del; deletes glutamine 220.
Molecular consequence: inframe deletion.
Genome position (GRCh38, 1-based): chr8:89,971,215-89,971,217, TTG deleted on the plus strand (CAA on the coding strand, the reverse complement: NBN is on the minus strand); deleting any 3 consecutive bases within chr8:89,971,215-89,971,219 gives the same sequence; the c. name uses the placement nearest the transcript's 3' end. VCF-style (leftmost placement, unchanged base first): chr8-89971214-TTTG-T. GRCh37 (hg19) VCF-style: chr8-90983442-TTTG-T.
Other names: c.658_660delCAA (NM_002485.4); c.412_414del, p.Gln138del (NM_001024688.3); short protein forms Q220del, Q138del.
Identifiers: ClinVar variation 578259 (VCV000578259.9), dbSNP rs1563561699, ClinGen allele CA891842941.

ClinVar aggregate classification (germline): Uncertain significance. Review status: criteria provided, multiple submitters, no conflicts (2 of 4 stars). 2 submissions from 2 submitters: Uncertain significance (2). Last evaluated 2023-12-12.

Conditions:
Microcephaly, normal intelligence and immunodeficiency (NBS). Also called: BERLIN BREAKAGE SYNDROME; SEEMANOVA SYNDROME II; Ataxia telangiectasia variant V1; IMMUNODEFICIENCY, MICROCEPHALY, AND CHROMOSOMAL INSTABILITY; Immunodeficiency, microcephaly with normal intelligence; Nijmegen breakage syndrome. Identifiers: Orphanet 647, MedGen C0398791, MONDO:0009623, OMIM 251260.
Hereditary cancer-predisposing syndrome. Also called: Hereditary neoplastic syndrome; Tumor predisposition; Hereditary Cancer Syndrome; Neoplastic Syndromes, Hereditary. Identifiers: Orphanet 140162, MedGen C0027672, MeSH D009386, MONDO:0015356.

Submissions (2):

Ambry Genetics
Classification: Uncertain significance for Hereditary cancer-predisposing syndrome. Last evaluated: 2023-12-12. Review status: criteria provided, single submitter. Criteria: Ambry Variant Classification Scheme 2023. Collection method: clinical testing. Allele origin: germline.
Comment: The c.658_660delCAA variant (also known as p.Q220del) is located in coding exon 6 of the NBN gene. This variant results from an in-frame CAA deletion at nucleotide positions 658 to 660. This results in the in-frame deletion of a glutamine at codon 220. This amino acid position is well conserved in available vertebrate species. In addition, this alteration is predicted to be deleterious by in silico analysis (Choi Y et al. PLoS ONE. 2012; 7(10):e46688). Since supporting evidence is limited at this time, the clinical significance of this alteration remains unclear.

Labcorp Genetics (formerly Invitae), Labcorp
Classification: Uncertain significance for Microcephaly, normal intelligence and immunodeficiency. Last evaluated: 2022-07-19. Review status: criteria provided, single submitter. Criteria: Invitae Variant Classification Sherloc (09022015). Collection method: clinical testing. Allele origin: germline.
Comment: In summary, the available evidence is currently insufficient to determine the role of this variant in disease. Therefore, it has been classified as a Variant of Uncertain Significance. Experimental studies and prediction algorithms are not available or were not evaluated, and the functional significance of this variant is currently unknown. ClinVar contains an entry for this variant (Variation ID: 578259). This variant has not been reported in the literature in individuals affected with NBN-related conditions. This variant is not present in population databases (gnomAD no frequency). This variant, c.658_660del, results in the deletion of 1 amino acid(s) of the NBN protein (p.Gln220del), but otherwise preserves the integrity of the reading frame.